The following is an entry in ClinVar:

NM_001378418.1(TCF20):c.3354G>A (p.Gly1118=)

Gene: TCF20 (transcription factor 20; minus strand). Cytogenetic location: 22q13.2.
Variant type: single nucleotide variant.
Coding change: c.3354G>A on transcript NM_001378418.1 (MANE Select); coding-DNA position 3354, G replaced by A.
Protein change: p.Gly1118=; no amino-acid change (glycine 1118 retained).
Molecular consequence: synonymous variant.
Genome position (GRCh38, 1-based): chr22:42,211,952, C>T on the plus strand (G>A on the coding strand, the complement: TCF20 is on the minus strand). VCF-style: chr22-42211952-C-T. GRCh37 (hg19) VCF-style: chr22-42607958-C-T.
Other names: c.3354G>A, p.Gly1118= (NM_005650.4, NM_181492.3).
Identifiers: ClinVar variation 3029337 (VCV003029337.3), dbSNP rs772712518, ClinGen allele CA10266844.

ClinVar aggregate classification (germline): Likely benign. Review status: criteria provided, single submitter (1 of 4 stars). 2 submissions from 2 submitters: Likely benign (1). 1 of the submissions does not count toward it. Last evaluated 2025-09-24.

Conditions:
TCF20-related disorder. Also called: TCF20-related condition.

Allele frequency attached by ClinVar (database versions not stated): ExAC 0.00002; gnomAD 0.00001; gnomAD exomes 0.00001.
gnomAD v4.1: 6 of 1,614,066 alleles (0.00037%); highest among the groups gnomAD compares: East Asian, 0.0022%; no homozygotes.

Submissions (2):

Labcorp Genetics (formerly Invitae), Labcorp
Classification: Likely benign. Last evaluated: 2025-09-24. Review status: criteria provided, single submitter. Criteria: Invitae Variant Classification Sherloc (09022015). Collection method: clinical testing. Allele origin: germline.

PreventionGenetics, part of Exact Sciences
Classification: Likely benign for TCF20-related condition. Last evaluated: 2021-06-22. Review status: no assertion criteria provided. Collection method: clinical testing. Allele origin: germline. Not counted in ClinVar's aggregate classification.
Comment: This variant is classified as likely benign based on ACMG/AMP sequence variant interpretation guidelines (Richards et al. 2015 PMID: 25741868, with internal and published modifications).